The following is an entry in ClinVar:

ClinVar aggregate classification (germline): Uncertain significance (1 of 4 stars; one submission).

Conditions:
Arrhythmogenic right ventricular dysplasia 11. Also called: Arrhythmogenic right ventricular dysplasia 11 with mild palmoplantar keratoderma and woolly hair; Arrhythmogenic Right Ventricular Dysplasia/Cardiomyopathy11; ARRHYTHMOGENIC RIGHT VENTRICULAR DYSPLASIA, FAMILIAL, 11. Identifiers: MedGen C1864850, MONDO:0012506, OMIM 610476.

Allele frequency attached by ClinVar (database versions not stated): gnomAD exomes below 0.00001; TOPMed below 0.00001; gnomAD 0.00001.
gnomAD v4.1: 3 of 1,614,008 alleles (0.00019%); highest among the groups gnomAD compares: Admixed American, 0.0017%; no homozygotes.

Submission:

Labcorp Genetics (formerly Invitae), Labcorp
Classification: Uncertain significance for Arrhythmogenic right ventricular dysplasia 11. Last evaluated: 2025-01-01. Review status: criteria provided, single submitter. Criteria: Invitae Variant Classification Sherloc (09022015). Collection method: clinical testing. Allele origin: germline.
Comment: This sequence change replaces glutamine, which is neutral and polar, with glutamic acid, which is acidic and polar, at codon 310 of the DSC2 protein (p.Gln310Glu). This variant is present in population databases (no rsID available, gnomAD 0.003%). This variant has not been reported in the literature in individuals affected with DSC2-related conditions. ClinVar contains an entry for this variant (Variation ID: 2159216). Invitae Evidence Modeling of protein sequence and biophysical properties (such as structural, functional, and spatial information, amino acid conservation, physicochemical variation, residue mobility, and thermodynamic stability) indicates that this missense variant is not expected to disrupt DSC2 protein function with a negative predictive value of 80%. In summary, the available evidence is currently insufficient to determine the role of this variant in disease. Therefore, it has been classified as a Variant of Uncertain Significance.

NM_024422.6(DSC2):c.928C>G (p.Gln310Glu)

Gene: DSC2 (desmocollin 2; minus strand). Cytogenetic location: 18q12.1.
Variant type: single nucleotide variant.
Coding change: c.928C>G on transcript NM_024422.6 (MANE Select); coding-DNA position 928, C replaced by G.
Protein change: p.Gln310Glu; replaces glutamine 310 with glutamic acid.
Molecular consequence: missense variant.
Genome position (GRCh38, 1-based): chr18:31,086,590, G>C on the plus strand (C>G on the coding strand, the complement: DSC2 is on the minus strand). VCF-style: chr18-31086590-G-C. GRCh37 (hg19) VCF-style: chr18-28666553-G-C.
Other names: c.499C>G, p.Gln167Glu (NM_001406506.1, NM_001406507.1); c.928C>G, p.Gln310Glu (NM_004949.5); short protein forms Q167E, Q310E.
Identifiers: ClinVar variation 2159216 (VCV002159216.4), dbSNP rs1374740144, ClinGen allele CA402111772.